The following is an entry in ClinVar:

NM_004304.5(ALK):c.4390C>G (p.Arg1464Gly)

Gene: ALK (ALK receptor tyrosine kinase; minus strand). Cytogenetic location: 2p23.2.
Variant type: single nucleotide variant.
Coding change: c.4390C>G on transcript NM_004304.5 (MANE Select); coding-DNA position 4390, C replaced by G.
Protein change: p.Arg1464Gly; replaces arginine 1464 with glycine.
Molecular consequence: missense variant.
Genome position (GRCh38, 1-based): chr2:29,193,697, G>C on the plus strand (C>G on the coding strand, the complement: ALK is on the minus strand). VCF-style: chr2-29193697-G-C. GRCh37 (hg19) VCF-style: chr2-29416563-G-C.
Other names: c.1186C>G, p.Arg396Gly (NM_001353765.2); short protein forms R1464G, R396G.
Identifiers: ClinVar variation 470872 (VCV000470872.15), dbSNP rs374135358, ClinGen allele CA1593583.

ClinVar aggregate classification (germline): Uncertain significance. Review status: criteria provided, multiple submitters, no conflicts (2 of 4 stars). 3 submissions from 3 submitters: Uncertain significance (3). Last evaluated 2025-11-22.

Conditions:
Hereditary cancer-predisposing syndrome. Also called: Hereditary neoplastic syndrome; Neoplastic Syndromes, Hereditary; Tumor predisposition; Hereditary Cancer Syndrome. Identifiers: Orphanet 140162, MedGen C0027672, MeSH D009386, MONDO:0015356.
Neuroblastoma, susceptibility to, 3. Also called: ALK-Related Neuroblastic Tumor Susceptibility. Identifiers: Orphanet 635, MedGen C2751681, MONDO:0013083, OMIM 613014.

Allele frequency attached by ClinVar (database versions not stated): gnomAD exomes 0.00001 and 0.00002; ExAC 0.00002; TOPMed 0.00002; ESP Exome Variant Server 0.00008.
gnomAD v4.1: 28 of 1,612,232 alleles (0.0017%); highest among the groups gnomAD compares: Non-Finnish European, 0.0024%; no homozygotes.

Submissions (3):

Labcorp Genetics (formerly Invitae), Labcorp
Classification: Uncertain significance for Neuroblastoma, susceptibility to, 3. Last evaluated: 2025-11-22. Review status: criteria provided, single submitter. Criteria: Invitae Variant Classification Sherloc (09022015). Collection method: clinical testing. Allele origin: germline.
Comment: This sequence change replaces arginine, which is basic and polar, with glycine, which is neutral and non-polar, at codon 1464 of the ALK protein (p.Arg1464Gly). This variant is present in population databases (rs374135358, gnomAD 0.002%). This variant has not been reported in the literature in individuals affected with ALK-related conditions. ClinVar contains an entry for this variant (Variation ID: 470872). An algorithm developed to predict the effect of missense changes on protein structure and function (PolyPhen-2) suggests that this variant is likely to be tolerated. In summary, the available evidence is currently insufficient to determine the role of this variant in disease. Therefore, it has been classified as a Variant of Uncertain Significance.

Ambry Genetics
Classification: Uncertain significance for Hereditary cancer-predisposing syndrome. Last evaluated: 2025-01-31. Review status: criteria provided, single submitter. Criteria: Ambry Variant Classification Scheme 2023. Collection method: clinical testing. Allele origin: germline.
Comment: The p.R1464G variant (also known as c.4390C>G), located in coding exon 29 of the ALK gene, results from a C to G substitution at nucleotide position 4390. The arginine at codon 1464 is replaced by glycine, an amino acid with dissimilar properties. This amino acid position is not well conserved in available vertebrate species. In addition, this alteration is predicted to be tolerated by in silico analysis. Based on the available evidence, the clinical significance of this variant remains unclear.

GeneDx
Classification: Uncertain significance. Last evaluated: 2024-10-11. Review status: criteria provided, single submitter. Criteria: GeneDx Variant Classification Process June 2021. Collection method: clinical testing. Allele origin: germline. Affected: yes.
Comment: Not observed at significant frequency in large population cohorts (gnomAD); In silico analysis supports that this missense variant has a deleterious effect on protein structure/function; Has not been previously published as pathogenic or benign to our knowledge